The following is an entry in ClinVar:

ClinVar aggregate classification (germline): Uncertain significance. Review status: reviewed by expert panel (3 of 4 stars). 4 submissions from 4 submitters: Uncertain significance (1). 3 of the submissions do not count toward it. Last evaluated 2024-06-13.

Conditions:
Histiocytic medullary reticulosis. Also called: SEVERE COMBINED IMMUNODEFICIENCY WITH HYPEREOSINOPHILIA; Omenn syndrome. Identifiers: Orphanet 39041, MedGen C2700553, MONDO:0011338, OMIM 603554.
Athabaskan severe combined immunodeficiency (SCIDA). Also called: Severe combined immunodeficiency, athabascan-type. Identifiers: MedGen C1865370.
Severe combined immunodeficiency due to DCLRE1C deficiency (RS-SCID). Also called: SCID, AUTOSOMAL RECESSIVE, T CELL-NEGATIVE, B CELL-NEGATIVE, NK CELL-POSITIVE, WITH SENSITIVITY TO IONIZING RADIATION. Identifiers: Orphanet 275, MedGen C1865371, MONDO:0011225, OMIM 602450.

Allele frequency attached by ClinVar (database versions not stated): gnomAD 0.00004 and 0.00003; ExAC 0.00001; TOPMed 0.00005; gnomAD exomes 0.00001.
gnomAD v4.1: 9 of 1,612,730 alleles (0.00056%); highest among the groups gnomAD compares: African/African-American, 0.0067%; no homozygotes.

Submissions (4):

ClinGen Severe Combined Immunodeficiency Variant Curation Expert Panel, ClinGen
Classification: Uncertain significance for Severe combined immunodeficiency due to DCLRE1C deficiency. Last evaluated: 2024-06-13. Review status: reviewed by expert panel. Criteria: ClinGen SCID ACMG Specifications DCLRE1C V1.0.0. Collection method: curation. Allele origin: germline. Inheritance: Autosomal recessive inheritance.
Comment: The c.484G>A (NM_001033855.3) variant in DCLRE1C is a missense variant predicted to cause the substitution of Valine by Isoleucine at amino acid 162 (p.Val162Ile). The filtering allele frequency (the upper threshold of the 95% CI of 5/74888 alleles) of the c.484G>A variant in DCLRE1C is 0.00002550 for African/African American chromosomes by gnomAD v4, which is lower than the ClinGen SCID VCEP threshold (<0.00003266) for PM2_Supporting, and therefore meets this criterion (PM2_Supporting). No homozygotes have been observed in gnomAD. To our knowledge, this variant has not been reported in the literature in individuals affected with SCID/DCLRE1C-related conditions or in functional studies. In summary, this variant meets the criteria to be classified as a variant of uncertain significance for autosomal recessive severe combined immunodeficiency due to DCLRE1C deficiency based on the ACMG/AMP criteria applied, as specified by the ClinGen SCID VCEP: PM2_Supporting (VCEP specifications version 1).

Labcorp Genetics (formerly Invitae), Labcorp
Classification: Uncertain significance for Athabaskan severe combined immunodeficiency. Last evaluated: 2022-02-04. Review status: criteria provided, single submitter. Criteria: Invitae Variant Classification Sherloc (09022015). Collection method: clinical testing. Allele origin: germline. Not counted in ClinVar's aggregate classification.
Comment: This sequence change replaces valine, which is neutral and non-polar, with isoleucine, which is neutral and non-polar, at codon 162 of the DCLRE1C protein (p.Val162Ile). This variant is present in population databases (rs754602932, gnomAD 0.01%). This variant has not been reported in the literature in individuals affected with DCLRE1C-related conditions. ClinVar contains an entry for this variant (Variation ID: 879948). Algorithms developed to predict the effect of missense changes on protein structure and function are either unavailable or do not agree on the potential impact of this missense change (SIFT: "Tolerated"; PolyPhen-2: "Possibly Damaging"; Align-GVGD: "Class C0"). In summary, the available evidence is currently insufficient to determine the role of this variant in disease. Therefore, it has been classified as a Variant of Uncertain Significance.

Illumina Laboratory Services, Illumina
Classification: Uncertain significance for Histiocytic medullary reticulosis. Last evaluated: 2018-01-12. Review status: criteria provided, single submitter. Criteria: ICSL Variant Classification Criteria 13 December 2019. Collection method: clinical testing. Allele origin: germline. Not counted in ClinVar's aggregate classification.

Natera, Inc.
Classification: Uncertain significance for Athabascan severe combined immunodeficiency. Last evaluated: 2020-08-04. Review status: no assertion criteria provided. Collection method: clinical testing. Allele origin: germline. Not counted in ClinVar's aggregate classification.

NM_001033855.3(DCLRE1C):c.484G>A (p.Val162Ile)

Gene: DCLRE1C (DNA cross-link repair 1C; minus strand). Cytogenetic location: 10p13.
Variant type: single nucleotide variant.
Coding change: c.484G>A on transcript NM_001033855.3 (MANE Select); coding-DNA position 484, G replaced by A.
Protein change: p.Val162Ile; replaces valine 162 with isoleucine.
Molecular consequence: missense variant. On other transcripts: non-coding transcript variant (4).
Genome position (GRCh38, 1-based): chr10:14,934,756, C>T on the plus strand (G>A on the coding strand, the complement: DCLRE1C is on the minus strand). VCF-style: chr10-14934756-C-T. GRCh37 (hg19) VCF-style: chr10-14976755-C-T.
Other names: NM_001033855.3(DCLRE1C):c.484G>A; p.Val162Ile; c.124G>A, p.Val42Ile (NM_001033857.3, NM_001033858.3, NM_001289077.2 and 2 more transcripts); c.139G>A, p.Val47Ile (NM_001289076.2, NM_001289078.2, NM_001350966.2 and 1 more transcripts); c.484G>A, p.Val162Ile (NM_001350965.2); short protein forms V162I, V42I, V47I.
Identifiers: ClinVar variation 879948 (VCV000879948.10), dbSNP rs754602932, ClinGen allele CA5416821.